The following is an entry in ClinVar:

ClinVar aggregate classification (germline): Likely benign. Review status: criteria provided, multiple submitters, no conflicts (2 of 4 stars). 4 submissions from 4 submitters: Likely benign (4). Last evaluated 2025-11-01.

Conditions:
Hypertrophic cardiomyopathy. Also called: HYPERTROPHIC MYOCARDIOPATHY. Identifiers: Orphanet 217569, MedGen C0007194, MeSH D002312, MONDO:0005045, HP:0001639.
Cardiomyopathy (CMYO). Also called: Cardiomyopathies. Identifiers: Orphanet 167848, MedGen C0878544, MONDO:0004994, HP:0001638. Inheritance: Various modes of inheritance.

Allele frequency attached by ClinVar (database versions not stated): gnomAD exomes below 0.00001 and 0.00002; ExAC 0.00002.
gnomAD v4.1: 10 of 1,613,718 alleles (0.00062%); highest among the groups gnomAD compares: Non-Finnish European, 0.00025%; no homozygotes.

Submissions (4):

CeGaT Center for Human Genetics Tuebingen
Classification: Likely benign. Last evaluated: 2025-11-01. Review status: criteria provided, single submitter. Criteria: CeGaT Center For Human Genetics Tuebingen Variant Classification Criteria Version 2. Collection method: clinical testing. Allele origin: germline. Affected: yes. Observed: 2 variant alleles.
Comment: MYH7: BP4, BP7

Labcorp Genetics (formerly Invitae), Labcorp
Classification: Likely benign for Hypertrophic cardiomyopathy. Last evaluated: 2025-07-29. Review status: criteria provided, single submitter. Criteria: Invitae Variant Classification Sherloc (09022015). Collection method: clinical testing. Allele origin: germline.

All of Us Research Program, National Institutes of Health
Classification: Likely benign for Cardiomyopathy. Last evaluated: 2023-05-31. Review status: criteria provided, single submitter. Criteria: ACMG Guidelines, 2015. Collection method: clinical testing. Allele origin: germline. Inheritance: Autosomal dominant inheritance. Observed: 3 variant alleles, 3 heterozygotes.
Comment: This study involves interpretation of variants in research participants for the purpose of population health screening. Participant phenotype was not available at the time of variant classification. Additional details can be found in publication PMID: 35346344, PMCID: PMC8962531

Color Diagnostics, LLC DBA Color Health
Classification: Likely benign for Cardiomyopathy. Last evaluated: 2020-09-15. Review status: criteria provided, single submitter. Criteria: ACMG Guidelines, 2015. Collection method: clinical testing. Allele origin: germline.

NM_000257.4(MYH7):c.4017C>T (p.Asp1339=)

Gene: MYH7 (myosin heavy chain 7; minus strand). Cytogenetic location: 14q11.2.
Variant type: single nucleotide variant.
Coding change: c.4017C>T on transcript NM_000257.4 (MANE Select); coding-DNA position 4017, C replaced by T.
Protein change: p.Asp1339=; no amino-acid change (aspartic acid 1339 retained).
Molecular consequence: synonymous variant.
Genome position (GRCh38, 1-based): chr14:23,418,362, G>A on the plus strand (C>T on the coding strand, the complement: MYH7 is on the minus strand). VCF-style: chr14-23418362-G-A. GRCh37 (hg19) VCF-style: chr14-23887571-G-A.
Identifiers: ClinVar variation 701181 (VCV000701181.34), dbSNP rs765801393, ClinGen allele CA040047.